The following is an entry in ClinVar:

NM_001281740.3(FHOD3):c.1844C>T (p.Pro615Leu)

Gene: FHOD3 (formin homology 2 domain containing 3; plus strand). Cytogenetic location: 18q12.2.
Variant type: single nucleotide variant.
Coding change: c.1844C>T on transcript NM_001281740.3 (MANE Select); coding-DNA position 1844, C replaced by T.
Protein change: p.Pro615Leu; replaces proline 615 with leucine.
Molecular consequence: missense variant.
Genome position (GRCh38, 1-based): chr18:36,681,444, C>T. VCF-style: chr18-36681444-C-T. GRCh37 (hg19) VCF-style: chr18-34261407-C-T.
Other names: c.1319C>T, p.Pro440Leu (NM_001281739.3, NM_025135.5); short protein forms P615L, P440L.
Identifiers: ClinVar variation 4938761 (VCV004938761.2), dbSNP rs199579476.

ClinVar aggregate classification (germline): Conflicting classifications of pathogenicity. Review status: criteria provided, conflicting classifications (1 of 4 stars). 2 submissions from 2 submitters: Uncertain significance (1); Likely benign (1). Last evaluated 2026-09-21.

Conditions:
Cardiovascular phenotype. Identifiers: MedGen CN230736.

gnomAD v4.1: 47 of 1,613,600 alleles (0.0029%); highest among the groups gnomAD compares: Middle Eastern, 0.033%; no homozygotes.

Submissions (2):

Molecular Diagnostic Laboratory for Inherited Cardiovascular Disease, Montreal Heart Institute
Classification: Uncertain significance for Cardiovascular phenotype. Last evaluated: 2026-09-21. Review status: criteria provided, single submitter. Criteria: ACMG Guidelines, 2015. Collection method: clinical testing. Allele origin: germline. Affected: yes.
Comment: PM2

Blueprint Genetics
Classification: Likely benign. Last evaluated: 2024-10-07. Review status: criteria provided, single submitter. Criteria: ACMG Guidelines, 2015. Collection method: clinical testing. Allele origin: germline.